The following is an entry in ClinVar:

NM_181552.4(CUX1):c.126GAA[1] (p.Lys43del)

Gene: CUX1 (cut like homeobox 1; plus strand). Cytogenetic location: 7q22.1.
Variant type: Microsatellite.
Coding change: c.126GAA[1] on transcript NM_181552.4 (MANE Select); one copy of the 3-base unit GAA starting at c.126; the reference has two copies in a row; one copy, 3 bases deleted.
Protein change: p.Lys43del; deletes lysine 43.
Molecular consequence: inframe deletion. On other transcripts: intron variant (1).
Genome position (GRCh38, 1-based): chr7:101,916,213-101,916,215, GAA deleted; deleting any 3 consecutive bases within chr7:101,916,208-101,916,215 gives the same sequence; the position shown is the placement nearest the transcript's 3' end. VCF-style (leftmost placement, unchanged base first): chr7-101916207-CAAG-C. GRCh37 (hg19) VCF-style: chr7-101559487-CAAG-C.
Other names: c.159GAA[1], p.Lys54del (NM_001202543.2, NM_001202544.3, NM_001202545.3 and 2 more transcripts); c.63+100120_63+100122del (NM_001202546.3); short protein forms K43del, K54del.
Identifiers: ClinVar variation 5017440 (VCV005017440.1).

ClinVar aggregate classification (germline): Uncertain significance (1 of 4 stars; one submission).

Submission:

GeneDx
Classification: Uncertain significance. Last evaluated: 2026-03-27. Review status: criteria provided, single submitter. Criteria: GeneDx Variant Classification Process June 2021. Collection method: clinical testing. Allele origin: germline.
Comment: Not observed at significant frequency in large population cohorts (gnomAD); In-frame deletion of 1 amino acid in a non-repeat region; In silico analysis supports a deleterious effect on protein structure/function; Has not been previously published as pathogenic or benign to our knowledge